The following is an entry in ClinVar:

NM_201384.3(PLEC):c.10775A>T (p.Gln3592Leu)

Gene: PLEC (plectin; minus strand). Cytogenetic location: 8q24.3.
Variant type: single nucleotide variant.
Coding change: c.10775A>T on transcript NM_201384.3 (MANE Select); coding-DNA position 10775, A replaced by T.
Protein change: p.Gln3592Leu; replaces glutamine 3592 with leucine.
Molecular consequence: missense variant.
Genome position (GRCh38, 1-based): chr8:143,919,046, T>A on the plus strand (A>T on the coding strand, the complement: PLEC is on the minus strand). VCF-style: chr8-143919046-T-A. GRCh37 (hg19) VCF-style: chr8-144993214-T-A.
Other names: c.10856A>T, p.Gln3619Leu (NM_000445.5); c.7475A>T, p.Gln2492Leu (NM_001410941.1); c.10733A>T, p.Gln3578Leu (NM_201378.4); c.10709A>T, p.Gln3570Leu (NM_201379.3); c.11186A>T, p.Gln3729Leu (NM_201380.4); c.10679A>T, p.Gln3560Leu (NM_201381.3); c.10775A>T, p.Gln3592Leu (NM_201382.4); c.10787A>T, p.Gln3596Leu (NM_201383.3); short protein forms Q3578L, Q3729L, Q2492L, Q3560L, Q3570L, Q3592L, Q3619L, Q3596L.
Identifiers: ClinVar variation 2013599 (VCV002013599.4), dbSNP rs1554677001, ClinGen allele CA372496668.

ClinVar aggregate classification (germline): Uncertain significance (1 of 4 stars; one submission).

Conditions:
Epidermolysis bullosa simplex 5B, with muscular dystrophy (EBS5B). Also called: Epidermolysis bullosa simplex with muscular dystrophy; EPIDERMOLYSIS BULLOSA SIMPLEX AND LIMB-GIRDLE MUSCULAR DYSTROPHY. Identifiers: Orphanet 257, MedGen C2931072, MONDO:0009181, OMIM 226670.
Epidermolysis bullosa simplex, Ogna type (EBS5A). Also called: Pidermolysis bullosa simplex 5A, Ogna type; EPIDERMOLYSIS BULLOSA SIMPLEX 5A, OGNA TYPE. Identifiers: Orphanet 79401, MedGen C0432317, MONDO:0007555, OMIM 131950.
Epidermolysis bullosa simplex 5C, with pyloric atresia (EBS5C). Also called: PLEC-Related Epidermolysis Bullosa with Pyloric Atresia; Epidermolysis bullosa simplex with pyloric atresia; PLEC1-Related Epidermolysis Bullosa with Pyloric Atresia. Identifiers: Orphanet 158684, MedGen C2677349, MONDO:0012807, OMIM 612138.
Autosomal recessive limb-girdle muscular dystrophy type 2Q (LGMDR17). Also called: MUSCULAR DYSTROPHY, LIMB-GIRDLE, AUTOSOMAL RECESSIVE 17. Identifiers: Orphanet 254361, MedGen C3150989, MONDO:0013390, OMIM 613723.
Epidermolysis bullosa simplex with nail dystrophy (EBS5D). Identifiers: MedGen C4225309, MONDO:0014661, OMIM 616487.

Submission:

Labcorp Genetics (formerly Invitae), Labcorp
Classification: Uncertain significance for Autosomal recessive limb-girdle muscular dystrophy type 2Q; Epidermolysis bullosa simplex, Ogna type; Epidermolysis bullosa simplex with nail dystrophy; Epidermolysis bullosa simplex 5C, with pyloric atresia; Epidermolysis bullosa simplex 5B, with muscular dystrophy. Last evaluated: 2022-07-03. Review status: criteria provided, single submitter. Criteria: Invitae Variant Classification Sherloc (09022015). Collection method: clinical testing. Allele origin: germline.
Comment: In summary, the available evidence is currently insufficient to determine the role of this variant in disease. Therefore, it has been classified as a Variant of Uncertain Significance. Algorithms developed to predict the effect of missense changes on protein structure and function are either unavailable or do not agree on the potential impact of this missense change (SIFT: "Tolerated"; PolyPhen-2: "Possibly Damaging"; Align-GVGD: "Class C15"). This variant has not been reported in the literature in individuals affected with PLEC-related conditions. This variant is not present in population databases (gnomAD no frequency). This sequence change replaces glutamine, which is neutral and polar, with leucine, which is neutral and non-polar, at codon 3619 of the PLEC protein (p.Gln3619Leu).